The following is an entry in ClinVar:

ClinVar aggregate classification (germline): Uncertain significance (1 of 4 stars; one submission).

Conditions:
Cardiovascular phenotype. Identifiers: MedGen CN230736.

Allele frequency attached by ClinVar (database versions not stated): TOPMed below 0.00001.

Submission:

Ambry Genetics
Classification: Uncertain significance for Cardiovascular phenotype. Last evaluated: 2020-07-30. Review status: criteria provided, single submitter. Criteria: Ambry Variant Classification Scheme 2023. Collection method: clinical testing. Allele origin: germline.
Comment: The c.-1C>T variant is located in the 5' untranslated region (5&rsquo; UTR) of the NEXN gene. This variant results from a C to T substitution 1 bases upstream from the first translated codon. This nucleotide position is well conserved in available vertebrate species. Since supporting evidence is limited at this time, the clinical significance of this alteration remains unclear.

NM_144573.4(NEXN):c.-1C>T

Gene: NEXN (nexilin F-actin binding protein; plus strand). Cytogenetic location: 1p31.1.
Variant type: single nucleotide variant.
Coding change: c.-1C>T on transcript NM_144573.4 (MANE Select); 1 bases upstream of the start codon, C replaced by T.
Molecular consequence: 5 prime UTR variant.
Genome position (GRCh38, 1-based): chr1:77,916,106, C>T. VCF-style: chr1-77916106-C-T. GRCh37 (hg19) VCF-style: chr1-78381791-C-T.
Other names: c.-1C>T (NM_001172309.2).
Identifiers: ClinVar variation 1784192 (VCV001784192.2), dbSNP rs1027278699, ClinGen allele CA24704660.